The following is an entry in ClinVar:

NM_006767.4(LZTR1):c.593+1G>C

Gene: LZTR1 (leucine zipper like post translational regulator 1; plus strand). Cytogenetic location: 22q11.21.
Variant type: single nucleotide variant.
Coding change: c.593+1G>C on transcript NM_006767.4 (MANE Select); the canonical splice donor site of the intron after coding-DNA position 593, G replaced by C.
Molecular consequence: splice donor variant.
Genome position (GRCh38, 1-based): chr22:20,988,873, G>C. VCF-style: chr22-20988873-G-C. GRCh37 (hg19) VCF-style: chr22-21343162-G-C.
Identifiers: ClinVar variation 4741678 (VCV004741678.1).

ClinVar aggregate classification (germline): Pathogenic (1 of 4 stars; one submission).

Submission:

Labcorp Genetics (formerly Invitae), Labcorp
Classification: Pathogenic. Last evaluated: 2025-04-29. Review status: criteria provided, single submitter. Criteria: Invitae Variant Classification Sherloc (09022015). Collection method: clinical testing. Allele origin: germline.
Comment: This sequence change affects a donor splice site in intron 6 of the LZTR1 gene. It is expected to disrupt RNA splicing. Variants that disrupt the donor or acceptor splice site typically lead to a loss of protein function (PMID: 16199547), and loss-of-function variants in LZTR1 are known to be pathogenic (PMID: 24362817, 25335493, 25480913, 25795793, 29469822, 30368668, 30442762, 30442766, 30481304, 30859559). This variant is not present in population databases (gnomAD no frequency). Disruption of this splice site has been observed in individual(s) with LZTR1-related conditions (PMID: 36307859). In at least one individual the data is consistent with being in trans (on the opposite chromosome) from a pathogenic variant. Algorithms developed to predict the effect of sequence changes on RNA splicing suggest that this variant may disrupt the consensus splice site. For these reasons, this variant has been classified as Pathogenic.

Literature cited by the submitters: PubMed 16199547; PubMed 24362817; PubMed 25335493; PubMed 25480913; PubMed 25795793; PubMed 29469822; PubMed 30368668; PubMed 30442762; PubMed 30442766; PubMed 30481304; PubMed 30859559; PubMed 36307859.